The following is an entry in ClinVar:

ClinVar aggregate classification (germline): Likely benign. Review status: criteria provided, multiple submitters, no conflicts (2 of 4 stars). 2 submissions from 2 submitters: Likely benign (2). Last evaluated 2023-09-29.

Conditions:
Microcephaly, normal intelligence and immunodeficiency (NBS). Also called: BERLIN BREAKAGE SYNDROME; Immunodeficiency, microcephaly with normal intelligence; Nijmegen breakage syndrome; Microcephaly with normal intelligence immunodeficiency and lymphoreticular malignancies; Nonsyndromal microcephaly autosomal recessive with normal intelligence; Seemanova syndrome 2. Identifiers: Orphanet 647, MedGen C0398791, MONDO:0009623, OMIM 251260.

Submissions (2):

Labcorp Genetics (formerly Invitae), Labcorp
Classification: Likely benign for Microcephaly, normal intelligence and immunodeficiency. Last evaluated: 2023-09-29. Review status: criteria provided, single submitter. Criteria: Invitae Variant Classification Sherloc (09022015). Collection method: clinical testing. Allele origin: germline.

GeneDx
Classification: Likely benign. Last evaluated: 2016-03-25. Review status: criteria provided, single submitter. Criteria: GeneDx Variant Classification (06012015). Collection method: clinical testing. Allele origin: germline. Affected: yes.
Comment: This variant is considered likely benign or benign based on one or more of the following criteria: it is a conservative change, it occurs at a poorly conserved position in the protein, it is predicted to be benign by multiple in silico algorithms, and/or has population frequency not consistent with disease.

NM_002485.5(NBN):c.171+9C>T

Gene: NBN (nibrin; minus strand). Cytogenetic location: 8q21.3.
Variant type: single nucleotide variant.
Coding change: c.171+9C>T on transcript NM_002485.5 (MANE Select); 9 bases into the intron after coding-DNA position 171, C replaced by T.
Molecular consequence: intron variant.
Genome position (GRCh38, 1-based): chr8:89,982,713, G>A on the plus strand (C>T on the coding strand, the complement: NBN is on the minus strand). VCF-style: chr8-89982713-G-A. GRCh37 (hg19) VCF-style: chr8-90994941-G-A.
Other names: c.-126+9C>T (NM_001024688.3).
Identifiers: ClinVar variation 385111 (VCV000385111.9), dbSNP rs1057522123, ClinGen allele CA16606150.
Genomic context (GRCh38, chr8:89,982,713, plus strand): 5'-AAACCAAGAGAATATTTTGTGATTTCAACCCCCTTACTGGAAACTAGTGAAATAAAATTA[G>A]TAACATACCAGGTTGGTTACAGAAAAGTTAGCAGTTAACACAGCATGATTTCGGCTGATC-3'